The following is an entry in ClinVar:

ClinVar aggregate classification (germline): Uncertain significance (1 of 4 stars; one submission).

gnomAD v4.1: 53 of 1,614,076 alleles (0.0033%); highest among the groups gnomAD compares: Admixed American, 0.025%; no homozygotes.

Submission:

Labcorp Genetics (formerly Invitae), Labcorp
Classification: Uncertain significance. Last evaluated: 2023-04-18. Review status: criteria provided, single submitter. Criteria: Invitae Variant Classification Sherloc (09022015). Collection method: clinical testing. Allele origin: germline.
Comment: This variant has not been reported in the literature in individuals affected with ATP2B4-related conditions. This sequence change replaces arginine, which is basic and polar, with histidine, which is basic and polar, at codon 18 of the ATP2B4 protein (p.Arg18His). This variant is present in population databases (rs771059469, gnomAD 0.04%). Algorithms developed to predict the effect of missense changes on protein structure and function output the following: SIFT: "Not Available"; PolyPhen-2: "Benign"; Align-GVGD: "Not Available". The histidine amino acid residue is found in multiple mammalian species, which suggests that this missense change does not adversely affect protein function. In summary, the available evidence is currently insufficient to determine the role of this variant in disease. Therefore, it has been classified as a Variant of Uncertain Significance.

NM_001684.5(ATP2B4):c.53G>A (p.Arg18His)

Gene: ATP2B4 (ATPase plasma membrane Ca2+ transporting 4; plus strand). Cytogenetic location: 1q32.1.
Variant type: single nucleotide variant.
Coding change: c.53G>A on transcript NM_001684.5 (MANE Select); coding-DNA position 53, G replaced by A.
Protein change: p.Arg18His; replaces arginine 18 with histidine.
Molecular consequence: missense variant.
Genome position (GRCh38, 1-based): chr1:203,683,258, G>A. VCF-style: chr1-203683258-G-A. GRCh37 (hg19) VCF-style: chr1-203652386-G-A.
Other names: c.53G>A, p.Arg18His (NM_001001396.3, NM_001365783.2, NM_001365784.2); short protein forms R18H.
Identifiers: ClinVar variation 2986609 (VCV002986609.3), dbSNP rs771059469, ClinGen allele CA1341290.